The following is an entry in ClinVar:

ClinVar aggregate classification (germline): Conflicting classifications of pathogenicity. Review status: criteria provided, conflicting classifications (1 of 4 stars). 4 submissions from 2 submitters: Uncertain significance (2); Benign (2). Last evaluated 2022-11-15.

Conditions:
Pseudohypoaldosteronism, type IB1, autosomal recessive. Also called: Pseudohypoaldosteronism, Type I, Autosomal Recessive; PHA I, AUTOSOMAL RECESSIVE; Pseudohypoaldosteronism, Type I, Recessive; Autosomal recessive pseudohypoaldosteronism type 1. Identifiers: Orphanet 171876, Orphanet 756, MedGen C5774176, MONDO:0009917, OMIM 264350.
Liddle syndrome 1 (LIDLS1). Also called: PSEUDOALDOSTERONISM. Identifiers: Orphanet 526, MedGen CN031472, MONDO:0020607, OMIM 177200.
Bronchiectasis with or without elevated sweat chloride 1 (BESC1). Also called: Cystic Fibrosis-Like Syndrome. Identifiers: Orphanet 60033, MedGen C2749757, MONDO:0008887, OMIM 211400.

Allele frequency attached by ClinVar (database versions not stated): gnomAD 0.00001; TOPMed 0.00003; ExAC 0.00007; gnomAD exomes 0.00008; 1000 Genomes Project 30x 0.00016; 1000 Genomes Project 0.00020.
gnomAD v4.1: 46 of 1,614,134 alleles (0.0028%); highest among the groups gnomAD compares: East Asian, 0.02%; no homozygotes.

Submissions (4):

Labcorp Genetics (formerly Invitae), Labcorp
Classification: Uncertain significance. Last evaluated: 2022-11-15. Review status: criteria provided, single submitter. Criteria: Invitae Variant Classification Sherloc (09022015). Collection method: clinical testing. Allele origin: germline.
Comment: Algorithms developed to predict the effect of sequence changes on RNA splicing suggest that this variant may create or strengthen a splice site. ClinVar contains an entry for this variant (Variation ID: 318439). This variant has not been reported in the literature in individuals affected with SCNN1B-related conditions. This variant is present in population databases (rs193211556, gnomAD 0.05%). This sequence change affects codon 473 of the SCNN1B mRNA. It is a 'silent' change, meaning that it does not change the encoded amino acid sequence of the SCNN1B protein. In summary, the available evidence is currently insufficient to determine the role of this variant in disease. Therefore, it has been classified as a Variant of Uncertain Significance.

Illumina Laboratory Services, Illumina
Classification: Benign for Liddle syndrome 1. Last evaluated: 2018-01-12. Review status: criteria provided, single submitter. Criteria: ICSL Variant Classification Criteria 13 December 2019. Collection method: clinical testing. Allele origin: germline.
Comment: This variant was observed in the ICSL laboratory as part of a predisposition screen in an ostensibly healthy population. It had not been previously curated by ICSL or reported in the Human Gene Mutation Database (HGMD: prior to June 1st, 2018), and was therefore a candidate for classification through an automated scoring system. Utilizing variant allele frequency, disease prevalence and penetrance estimates, and inheritance mode, an automated score was calculated to assess if this variant is too frequent to cause the disease. Based on the score and internal cut-off values, a variant classified as benign is not then subjected to further curation. The score for this variant resulted in a classification of benign for this disease.

Illumina Laboratory Services, Illumina
Classification: Uncertain significance for Pseudohypoaldosteronism, type IB1, autosomal recessive. Last evaluated: 2018-01-12. Review status: criteria provided, single submitter. Criteria: ICSL Variant Classification Criteria 13 December 2019. Collection method: clinical testing. Allele origin: germline.

Illumina Laboratory Services, Illumina
Classification: Benign for Bronchiectasis with or without elevated sweat chloride 1. Last evaluated: 2018-01-12. Review status: criteria provided, single submitter. Criteria: ICSL Variant Classification Criteria 13 December 2019. Collection method: clinical testing. Allele origin: germline.
Comment: the same text as in the submission from Illumina Laboratory Services, Illumina above.

NM_000336.3(SCNN1B):c.1419C>T (p.His473=)

Gene: SCNN1B (sodium channel epithelial 1 subunit beta; plus strand). Cytogenetic location: 16p12.2.
Variant type: single nucleotide variant.
Coding change: c.1419C>T on transcript NM_000336.3 (MANE Select); coding-DNA position 1419, C replaced by T.
Protein change: p.His473=; no amino-acid change (histidine 473 retained).
Molecular consequence: synonymous variant.
Genome position (GRCh38, 1-based): chr16:23,378,720, C>T. VCF-style: chr16-23378720-C-T. GRCh37 (hg19) VCF-style: chr16-23390041-C-T.
Identifiers: ClinVar variation 318439 (VCV000318439.9), dbSNP rs193211556, ClinGen allele CA7960509.
Genomic context (GRCh38, chr16:23,378,720, plus strand): 5'-GGATGCTGCAGATGGCAACTTTTGCAACCACCTTCTTGGGTTCCAGGACTGGATTTTCCA[C>T]GTCTTGTCTCAGGAGCGGGACCAAAGCACCAATATCACCCTGAGCAGGTGAGCCTGAGCC-3'
Protein context (NP_000327.2, residues 463-483): PSEASEDWIF[His473=]VLSQERDQST